The following is an entry in ClinVar:

ClinVar aggregate classification (germline): Uncertain significance (1 of 4 stars; one submission).

Conditions:
Kabuki syndrome. Also called: NIIKAWA-KUROKI SYNDROME; Kabuki make-up syndrome. Identifiers: Orphanet 2322, MedGen C0796004, MONDO:0016512.

Submission:

Labcorp Genetics (formerly Invitae), Labcorp
Classification: Uncertain significance for Kabuki syndrome. Last evaluated: 2024-11-15. Review status: criteria provided, single submitter. Criteria: Invitae Variant Classification Sherloc (09022015). Collection method: clinical testing. Allele origin: germline.
Comment: This sequence change replaces alanine, which is neutral and non-polar, with serine, which is neutral and polar, at codon 1718 of the KMT2D protein (p.Ala1718Ser). This variant is not present in population databases (gnomAD no frequency). This variant has not been reported in the literature in individuals affected with KMT2D-related conditions. Invitae Evidence Modeling of protein sequence and biophysical properties (such as structural, functional, and spatial information, amino acid conservation, physicochemical variation, residue mobility, and thermodynamic stability) indicates that this missense variant is not expected to disrupt KMT2D protein function with a negative predictive value of 95%. In summary, the available evidence is currently insufficient to determine the role of this variant in disease. Therefore, it has been classified as a Variant of Uncertain Significance.

NM_003482.4(KMT2D):c.5152G>T (p.Ala1718Ser)

Gene: KMT2D (lysine methyltransferase 2D; minus strand). Cytogenetic location: 12q13.12.
Variant type: single nucleotide variant.
Coding change: c.5152G>T on transcript NM_003482.4 (MANE Select); coding-DNA position 5152, G replaced by T.
Protein change: p.Ala1718Ser; replaces alanine 1718 with serine.
Molecular consequence: missense variant.
Genome position (GRCh38, 1-based): chr12:49,044,236, C>A on the plus strand (G>T on the coding strand, the complement: KMT2D is on the minus strand). VCF-style: chr12-49044236-C-A. GRCh37 (hg19) VCF-style: chr12-49438019-C-A.
Other names: short protein forms A1718S.
Identifiers: ClinVar variation 3727275 (VCV003727275.2).